The following is an entry in ClinVar:

NM_015404.4(WHRN):c.2323G>A (p.Ala775Thr)

Gene: WHRN (whirlin; minus strand). Cytogenetic location: 9q32.
Variant type: single nucleotide variant.
Coding change: c.2323G>A on transcript NM_015404.4 (MANE Select); coding-DNA position 2323, G replaced by A.
Protein change: p.Ala775Thr; replaces alanine 775 with threonine.
Molecular consequence: missense variant.
Genome position (GRCh38, 1-based): chr9:114,403,991, C>T on the plus strand (G>A on the coding strand, the complement: WHRN is on the minus strand). VCF-style: chr9-114403991-C-T. GRCh37 (hg19) VCF-style: chr9-117166271-C-T.
Other names: c.1174G>A, p.Ala392Thr (NM_001083885.3); c.2320G>A, p.Ala774Thr (NM_001173425.2); c.1270G>A, p.Ala424Thr (NM_001346890.1); c.2323G>A (NM_015404.2); short protein forms A424T, A392T, A774T, A775T.
Identifiers: ClinVar variation 971396 (VCV000971396.15), dbSNP rs145782014, ClinGen allele CA5205667.

ClinVar aggregate classification (germline): Uncertain significance. Review status: criteria provided, multiple submitters, no conflicts (2 of 4 stars). 3 submissions from 3 submitters: Uncertain significance (3). Last evaluated 2025-11-01.

Allele frequency attached by ClinVar (database versions not stated): TOPMed 0.00005; gnomAD exomes 0.00006 and 0.00007; gnomAD 0.00007 and 0.00008; ESP Exome Variant Server 0.00008; ExAC 0.00009.
gnomAD v4.1: 94 of 1,612,642 alleles (0.0058%); highest among the groups gnomAD compares: Non-Finnish European, 0.0072%; no homozygotes.

Submissions (3):

CeGaT Center for Human Genetics Tuebingen
Classification: Uncertain significance. Last evaluated: 2025-11-01. Review status: criteria provided, single submitter. Criteria: CeGaT Center For Human Genetics Tuebingen Variant Classification Criteria Version 2. Collection method: clinical testing. Allele origin: germline. Affected: yes. Observed: 1 variant allele.
Comment: WHRN: PM2, BP4

Labcorp Genetics (formerly Invitae), Labcorp
Classification: Uncertain significance. Last evaluated: 2025-02-13. Review status: criteria provided, single submitter. Criteria: Invitae Variant Classification Sherloc (09022015). Collection method: clinical testing. Allele origin: germline.
Comment: This sequence change replaces alanine, which is neutral and non-polar, with threonine, which is neutral and polar, at codon 775 of the WHRN protein (p.Ala775Thr). This variant is present in population databases (rs145782014, gnomAD 0.01%). This variant has not been reported in the literature in individuals affected with WHRN-related conditions. ClinVar contains an entry for this variant (Variation ID: 971396). An algorithm developed to predict the effect of missense changes on protein structure and function outputs the following: PolyPhen-2: "Benign". The threonine amino acid residue is found in multiple mammalian species, which suggests that this missense change does not adversely affect protein function. In summary, the available evidence is currently insufficient to determine the role of this variant in disease. Therefore, it has been classified as a Variant of Uncertain Significance.

GeneDx
Classification: Uncertain significance. Last evaluated: 2025-02-05. Review status: criteria provided, single submitter. Criteria: GeneDx Variant Classification Process June 2021. Collection method: clinical testing. Allele origin: germline. Affected: yes.
Comment: In silico analysis indicates that this missense variant does not alter protein structure/function; Has not been previously published as pathogenic or benign to our knowledge